The following is an entry in ClinVar:

ClinVar aggregate classification (germline): Benign/Likely benign. Review status: criteria provided, multiple submitters, no conflicts (2 of 4 stars). 4 submissions from 4 submitters: Benign (1); Likely benign (3). Last evaluated 2025-12-18.

Conditions:
CTDP1-related disorder. Also called: CTDP1-related condition.

Allele frequency attached by ClinVar (database versions not stated): TOPMed 0.00007; ESP Exome Variant Server 0.00008; gnomAD 0.00010; ExAC 0.00045; 1000 Genomes Project 30x 0.00062; 1000 Genomes Project 0.00080.
gnomAD v4.1: 348 of 1,612,588 alleles (0.022%); highest among the groups gnomAD compares: South Asian, 0.34%; 4 homozygotes.

Submissions (4):

Labcorp Genetics (formerly Invitae), Labcorp
Classification: Benign. Last evaluated: 2025-12-18. Review status: criteria provided, single submitter. Criteria: Invitae Variant Classification Sherloc (09022015). Collection method: clinical testing. Allele origin: germline.

PreventionGenetics, part of Exact Sciences
Classification: Likely benign for CTDP1-related condition. Last evaluated: 2025-03-25. Review status: criteria provided, single submitter. Criteria: ACMG Guidelines, 2015. Collection method: clinical testing. Allele origin: germline.
Comment: This variant is classified as likely benign based on ACMG/AMP sequence variant interpretation guidelines (Richards et al. 2015 PMID: 25741868, with internal and published modifications).

Mayo Clinic Laboratories, Mayo Clinic
Classification: Likely benign. Last evaluated: 2025-03-06. Review status: criteria provided, single submitter. Criteria: ACMG Guidelines, 2015. Collection method: clinical testing. Allele origin: germline. Observed: 1 variant allele.
Comment: BP4, BP7

Blueprint Genetics
Classification: Likely benign. Last evaluated: 2024-09-12. Review status: criteria provided, single submitter. Criteria: ACMG Guidelines, 2015. Collection method: clinical testing. Allele origin: germline.

NM_004715.5(CTDP1):c.2069-7C>T

Gene: CTDP1 (CTD phosphatase 1; plus strand). Cytogenetic location: 18q23.
Variant type: single nucleotide variant.
Coding change: c.2069-7C>T on transcript NM_004715.5 (MANE Select); 7 bases into the intron before coding-DNA position 2069, C replaced by T.
Molecular consequence: intron variant.
Genome position (GRCh38, 1-based): chr18:79,717,528, C>T. VCF-style: chr18-79717528-C-T. GRCh37 (hg19) VCF-style: chr18-77477528-C-T.
Other names: p.?; c.2069-7C>T (NM_004715.4, NM_001318511.2, NM_048368.4); c.1712-7C>T (NM_001202504.1).
Identifiers: ClinVar variation 2150675 (VCV002150675.7), dbSNP rs368692813, ClinGen allele CA9010459.
Genomic context (GRCh38, chr18:79,717,528, plus strand): 5'-AGCCGGATGTGGGCCCTGAGCCTCCAGTGCTGGCCGGAACAGCCTGACGCAGCCGGGTCT[C>T]CTGCAGGCACAGAGAAGGTGCTGCAGGCACAGGAGTGCGGACACCTGCACGTGGTCAACC-3'